The following is an entry in ClinVar:

ClinVar aggregate classification (germline): Uncertain significance (1 of 4 stars; one submission).

Conditions:
Early-infantile DEE. Also called: Ohtahara syndrome; Early infantile epileptic encephalopathy with suppression bursts; Early infantile epileptic encephalopathy. Identifiers: Orphanet 1934, MedGen C0393706, MONDO:0800491.

Allele frequency attached by ClinVar (database versions not stated): gnomAD 0.00001; TOPMed 0.00001.
gnomAD v4.1: 1 of 1,610,882 alleles (0.000062%); highest among the groups gnomAD compares: African/African-American, 0.0013%; no homozygotes.

Submission:

Labcorp Genetics (formerly Invitae), Labcorp
Classification: Uncertain significance for Early-infantile DEE. Last evaluated: 2024-10-04. Review status: criteria provided, single submitter. Criteria: Invitae Variant Classification Sherloc (09022015). Collection method: clinical testing. Allele origin: germline.
Comment: This sequence change replaces aspartic acid, which is acidic and polar, with glutamic acid, which is acidic and polar, at codon 686 of the SCN8A protein (p.Asp686Glu). This variant is not present in population databases (gnomAD no frequency). This variant has not been reported in the literature in individuals affected with SCN8A-related conditions. ClinVar contains an entry for this variant (Variation ID: 963706). Invitae Evidence Modeling of protein sequence and biophysical properties (such as structural, functional, and spatial information, amino acid conservation, physicochemical variation, residue mobility, and thermodynamic stability) indicates that this missense variant is not expected to disrupt SCN8A protein function with a negative predictive value of 95%. In summary, the available evidence is currently insufficient to determine the role of this variant in disease. Therefore, it has been classified as a Variant of Uncertain Significance.

NM_001330260.2(SCN8A):c.2058C>G (p.Asp686Glu)

Gene: SCN8A (sodium voltage-gated channel alpha subunit 8; plus strand). Cytogenetic location: 12q13.13.
Variant type: single nucleotide variant.
Coding change: c.2058C>G on transcript NM_001330260.2 (MANE Select); coding-DNA position 2058, C replaced by G.
Protein change: p.Asp686Glu; replaces aspartic acid 686 with glutamic acid.
Molecular consequence: missense variant.
Genome position (GRCh38, 1-based): chr12:51,745,962, C>G. VCF-style: chr12-51745962-C-G. GRCh37 (hg19) VCF-style: chr12-52139746-C-G.
Other names: c.2058C>G, p.Asp686Glu (NM_001177984.3, NM_001369788.1, NM_014191.4); short protein forms D686E.
Identifiers: ClinVar variation 963706 (VCV000963706.11), dbSNP rs1208300274, ClinGen allele CA384878604.
Genomic context (GRCh38, chr12:51,745,962, plus strand): 5'-GGCTACAACTGAGGTGGAAATTAAGAAGAAAGGCCCTGGATCTCTTTTAGTTTCCATGGA[C>G]CAATTAGCCTCCTACGGGCGGAAGGACAGAATCAACAGTATAATGAGTGTTGTTACAAAT-3'
Protein context (NP_001317189.1, residues 676-696): KGPGSLLVSM[Asp686Glu]QLASYGRKDR